The following is an entry in ClinVar:

NM_002769.5(PRSS1):c.442G>A (p.Ala148Thr)

Genes: TRB (T cell receptor beta locus; plus strand), PRSS1 (serine protease 1; plus strand). Cytogenetic location: 7q34.
Variant type: single nucleotide variant.
Coding change: c.442G>A on transcript NM_002769.5 (MANE Select); coding-DNA position 442, G replaced by A.
Protein change: p.Ala148Thr; replaces alanine 148 with threonine.
Molecular consequence: missense variant. On other transcripts: non-coding transcript variant (5).
Genome position (GRCh38, 1-based): chr7:142,752,015, G>A. VCF-style: chr7-142752015-G-A. GRCh37 (hg19) VCF-style: chr7-142459866-G-A.
Other names: short protein forms A148T.
Identifiers: ClinVar variation 1740541 (VCV001740541.6), dbSNP rs775290386, ClinGen allele CA369609230.

ClinVar aggregate classification (germline): Uncertain significance. Review status: criteria provided, multiple submitters, no conflicts (2 of 4 stars). 2 submissions from 2 submitters: Uncertain significance (2). Last evaluated 2025-10-13.

Conditions:
Hereditary pancreatitis (PCTT). Also called: Hereditary chronic pancreatitis; PRSS1-Related Hereditary Pancreatitis. Identifiers: Orphanet 676, MedGen C0238339, MONDO:0008185, OMIM 167800.

Allele frequency attached by ClinVar (database versions not stated): gnomAD exomes 0.00001.

Submissions (2):

Ambry Genetics
Classification: Uncertain significance for Hereditary pancreatitis. Last evaluated: 2025-10-13. Review status: criteria provided, single submitter. Criteria: Ambry Variant Classification Scheme 2023. Collection method: clinical testing. Allele origin: germline.
Comment: The p.A148T variant (also known as c.442G>A), located in coding exon 3 of the PRSS1 gene, results from a G to A substitution at nucleotide position 442. The alanine at codon 148 is replaced by threonine, an amino acid with similar properties. This amino acid position is conserved. In addition, this alteration is predicted to be tolerated by in silico analysis. Since supporting evidence is limited at this time, the clinical significance of this alteration remains unclear.

Labcorp Genetics (formerly Invitae), Labcorp
Classification: Uncertain significance for Hereditary pancreatitis. Last evaluated: 2024-10-22. Review status: criteria provided, single submitter. Criteria: Invitae Variant Classification Sherloc (09022015). Collection method: clinical testing. Allele origin: germline.
Comment: This sequence change replaces alanine, which is neutral and non-polar, with threonine, which is neutral and polar, at codon 148 of the PRSS1 protein (p.Ala148Thr). This variant is not present in population databases (gnomAD no frequency). This variant has not been reported in the literature in individuals affected with PRSS1-related conditions. ClinVar contains an entry for this variant (Variation ID: 1740541). Invitae Evidence Modeling of protein sequence and biophysical properties (such as structural, functional, and spatial information, amino acid conservation, physicochemical variation, residue mobility, and thermodynamic stability) indicates that this missense variant is not expected to disrupt PRSS1 protein function with a negative predictive value of 80%. In summary, the available evidence is currently insufficient to determine the role of this variant in disease. Therefore, it has been classified as a Variant of Uncertain Significance.